The following is an entry in ClinVar:

ClinVar aggregate classification (germline): Benign (1 of 4 stars; one submission).

Allele frequency attached by ClinVar (database versions not stated): gnomAD 0.02521 and 0.02727; 1000 Genomes Project 0.02636; 1000 Genomes Project 30x 0.02670; TOPMed 0.02772.
gnomAD v4.1: 3,798 of 152,114 alleles (2.5%); highest among the groups gnomAD compares: African/African-American, 8.6%; 169 homozygotes.

Submission:

GeneDx
Classification: Benign. Last evaluated: 2018-06-19. Review status: criteria provided, single submitter. Criteria: GeneDx Variant Classification (06012015). Collection method: clinical testing. Allele origin: germline. Affected: yes.
Comment: This variant is considered likely benign or benign based on one or more of the following criteria: it is a conservative change, it occurs at a poorly conserved position in the protein, it is predicted to be benign by multiple in silico algorithms, and/or has population frequency not consistent with disease.

NM_000079.4(CHRNA1):c.235-589G>T

Gene: CHRNA1 (cholinergic receptor nicotinic alpha 1 subunit; minus strand). Cytogenetic location: 2q31.1.
Variant type: single nucleotide variant.
Coding change: c.235-589G>T on transcript NM_000079.4 (MANE Select); 589 bases into the intron before coding-DNA position 235, G replaced by T.
Molecular consequence: intron variant.
Genome position (GRCh38, 1-based): chr2:174,758,264, C>A on the plus strand (G>T on the coding strand, the complement: CHRNA1 is on the minus strand). VCF-style: chr2-174758264-C-A. GRCh37 (hg19) VCF-style: chr2-175622992-C-A.
Other names: c.235-244G>T (NM_001039523.3).
Identifiers: ClinVar variation 679982 (VCV000679982.1), dbSNP rs74434776, ClinGen allele CA60856205.